The following is an entry in ClinVar:

NM_198578.4(LRRK2):c.486A>C (p.Leu162Phe)

Gene: LRRK2 (leucine rich repeat kinase 2; plus strand). Cytogenetic location: 12q12.
Variant type: single nucleotide variant.
Coding change: c.486A>C on transcript NM_198578.4 (MANE Select); coding-DNA position 486, A replaced by C.
Protein change: p.Leu162Phe; replaces leucine 162 with phenylalanine.
Molecular consequence: missense variant.
Genome position (GRCh38, 1-based): chr12:40,238,018, A>C. VCF-style: chr12-40238018-A-C. GRCh37 (hg19) VCF-style: chr12-40631820-A-C.
Other names: short protein forms L162F.
Identifiers: ClinVar variation 3229671 (VCV003229671.1), dbSNP rs2499419534, ClinGen allele CA384403935.
Genomic context (GRCh38, chr12:40,238,018, plus strand): 5'-CTTTAAAATAGGTAAAATCACCTTGCTGATATTGGATGAAGAAAGTGATATTTTCATGTT[A>C]ATTTTTGATGCCATGCACTCATTTCCAGCCAATGATGAAGTCCAGAAACTTGGATGCAAA-3'
Protein context (NP_940980.4, residues 152-172): ILDEESDIFM[Leu162Phe]IFDAMHSFPA

ClinVar aggregate classification (germline): Uncertain significance (1 of 4 stars; one submission).

Conditions:
Inborn genetic diseases. Identifiers: MedGen C0950123, MeSH D030342.

Submission:

Ambry Genetics
Classification: Uncertain significance for Inborn genetic diseases. Last evaluated: 2023-10-15. Review status: criteria provided, single submitter. Criteria: Ambry Variant Classification Scheme 2023. Collection method: clinical testing. Allele origin: germline.
Comment: The p.L162F variant (also known as c.486A>C), located in coding exon 5 of the LRRK2 gene, results from an A to C substitution at nucleotide position 486. The leucine at codon 162 is replaced by phenylalanine, an amino acid with highly similar properties. This amino acid position is conserved. In addition, this alteration is predicted to be tolerated by in silico analysis. Since supporting evidence is limited at this time, the clinical significance of this alteration remains unclear.